The following is an entry in ClinVar:

NM_198129.4(LAMA3):c.2206G>A (p.Gly736Ser)

Gene: LAMA3 (laminin subunit alpha 3; plus strand). Cytogenetic location: 18q11.2.
Variant type: single nucleotide variant.
Coding change: c.2206G>A on transcript NM_198129.4 (MANE Select); coding-DNA position 2206, G replaced by A.
Protein change: p.Gly736Ser; replaces glycine 736 with serine.
Molecular consequence: missense variant.
Genome position (GRCh38, 1-based): chr18:23,819,899, G>A. VCF-style: chr18-23819899-G-A. GRCh37 (hg19) VCF-style: chr18-21399863-G-A.
Other names: c.2206G>A, p.Gly736Ser (NM_001127717.4); short protein forms G736S.
Identifiers: ClinVar variation 2076944 (VCV002076944.30), dbSNP rs188202707, ClinGen allele CA8914887.
Genomic context (GRCh38, chr18:23,819,899, plus strand): 5'-AGGCCTGAAAACAACTACTATTTCCCAGATTTGCATCATATGAAGTATGAGATTGAAGAC[G>A]GCAGCACACCTAATGGGAGAGACCTTCGATTTGGATTTGATCCGCTGGCATTTCCTGAGT-3'
Protein context (NP_937762.2, residues 726-746): LHHMKYEIED[Gly736Ser]STPNGRDLRF

ClinVar aggregate classification (germline): Conflicting classifications of pathogenicity. Review status: criteria provided, conflicting classifications (1 of 4 stars). 4 submissions from 4 submitters: Uncertain significance (1); Benign (1); Likely benign (2). Last evaluated 2024-11-06.

Conditions:
Inborn genetic diseases. Identifiers: MedGen C0950123, MeSH D030342.

Allele frequency attached by ClinVar (database versions not stated): gnomAD exomes 0.00024; ExAC 0.00075; gnomAD 0.00206; 1000 Genomes Project 30x 0.00234; 1000 Genomes Project 0.00240; ESP Exome Variant Server 0.00242; TOPMed 0.00257.
gnomAD v4.1: 688 of 1,613,982 alleles (0.043%); highest among the groups gnomAD compares: African/African-American, 0.75%; 3 homozygotes.

Submissions (4):

Blueprint Genetics
Classification: Likely benign. Last evaluated: 2024-11-06. Review status: criteria provided, single submitter. Criteria: ACMG Guidelines, 2015. Collection method: clinical testing. Allele origin: germline.

Labcorp Genetics (formerly Invitae), Labcorp
Classification: Benign. Last evaluated: 2022-11-29. Review status: criteria provided, single submitter. Criteria: Invitae Variant Classification Sherloc (09022015). Collection method: clinical testing. Allele origin: germline.

CeGaT Center for Human Genetics Tuebingen
Classification: Likely benign. Last evaluated: 2022-09-01. Review status: criteria provided, single submitter. Criteria: CeGaT Center For Human Genetics Tuebingen Variant Classification Criteria Version 2. Collection method: clinical testing. Allele origin: germline. Affected: yes. Observed: 1 variant allele.
Comment: LAMA3: BP4, BS2

Ambry Genetics
Classification: Uncertain significance for Inborn genetic diseases. Last evaluated: 2021-09-01. Review status: criteria provided, single submitter. Criteria: Ambry Variant Classification Scheme 2023. Collection method: clinical testing. Allele origin: germline.